The following is an entry in ClinVar:

NM_001297.5(CNGB1):c.610G>A (p.Gly204Arg)

Gene: CNGB1 (cyclic nucleotide gated channel subunit beta 1; minus strand). Cytogenetic location: 16q21.
Variant type: single nucleotide variant.
Coding change: c.610G>A on transcript NM_001297.5 (MANE Select); coding-DNA position 610, G replaced by A.
Protein change: p.Gly204Arg; replaces glycine 204 with arginine.
Molecular consequence: missense variant.
Genome position (GRCh38, 1-based): chr16:57,960,039, C>T on the plus strand (G>A on the coding strand, the complement: CNGB1 is on the minus strand). VCF-style: chr16-57960039-C-T. GRCh37 (hg19) VCF-style: chr16-57993943-C-T.
Other names: c.610G>A, p.Gly204Arg (NM_001135639.2); c.592G>A, p.Gly198Arg (NM_001286130.2); short protein forms G198R, G204R.
Identifiers: ClinVar variation 969673 (VCV000969673.9), dbSNP rs201654405, ClinGen allele CA8083734.
Genomic context (GRCh38, chr16:57,960,039, plus strand): 5'-TGGGCTGCAGGGGGATGGGTGTGGGCAGGGAGGGGGTCTCCCGGGCCTGCAGCTTGGGCC[C>T]CATTTCCTGGGGGCGTCCTGGAGGCGCTAAGCAGCGGGGAAAGCAGGAGCTAGAGACGCC-3'
Protein context (NP_001288.3, residues 194-214): PAPPGRPQEM[Gly204Arg]PKLQARETPS

ClinVar aggregate classification (germline): Uncertain significance. Review status: criteria provided, multiple submitters, no conflicts (2 of 4 stars). 4 submissions from 4 submitters: Uncertain significance (3). 1 of the submissions does not count toward it. Last evaluated 2024-04-17.

Conditions:
Inborn genetic diseases. Identifiers: MedGen C0950123, MeSH D030342.
Optic atrophy. Identifiers: MedGen C0029124, MONDO:0003608, HP:0000648.

Allele frequency attached by ClinVar (database versions not stated): gnomAD 0.00005; TOPMed 0.00007; gnomAD exomes 0.00008 and 0.00016; ExAC 0.00018.
gnomAD v4.1: 222 of 1,565,044 alleles (0.014%); highest among the groups gnomAD compares: Non-Finnish European, 0.019%; no homozygotes.

Submissions (4):

Labcorp Genetics (formerly Invitae), Labcorp
Classification: Uncertain significance. Last evaluated: 2024-04-17. Review status: criteria provided, single submitter. Criteria: Invitae Variant Classification Sherloc (09022015). Collection method: clinical testing. Allele origin: germline.
Comment: This sequence change replaces glycine, which is neutral and non-polar, with arginine, which is basic and polar, at codon 204 of the CNGB1 protein (p.Gly204Arg). This variant is present in population databases (rs201654405, gnomAD 0.02%). This variant has not been reported in the literature in individuals affected with CNGB1-related conditions. ClinVar contains an entry for this variant (Variation ID: 969673). Advanced modeling of protein sequence and biophysical properties (such as structural, functional, and spatial information, amino acid conservation, physicochemical variation, residue mobility, and thermodynamic stability) performed at Invitae indicates that this missense variant is not expected to disrupt CNGB1 protein function with a negative predictive value of 95%. In summary, the available evidence is currently insufficient to determine the role of this variant in disease. Therefore, it has been classified as a Variant of Uncertain Significance.

Blueprint Genetics
Classification: Uncertain significance. Last evaluated: 2023-01-03. Review status: criteria provided, single submitter. Criteria: ACMG Guidelines, 2015. Collection method: clinical testing. Allele origin: germline.

Ambry Genetics
Classification: Uncertain significance for Inborn genetic diseases. Last evaluated: 2022-06-17. Review status: criteria provided, single submitter. Criteria: Ambry Variant Classification Scheme 2023. Collection method: clinical testing. Allele origin: germline.

Institute of Human Genetics, Univ. Regensburg, Univ. Regensburg
Classification: Uncertain significance for Optic atrophy. Last evaluated: 2023-01-01. Review status: no assertion criteria provided. Criteria: ACMG Guidelines, 2015. Collection method: clinical testing. Allele origin: germline. Affected: yes. Not counted in ClinVar's aggregate classification.